The following is an entry in ClinVar:

ClinVar aggregate classification (germline): Likely benign. Review status: criteria provided, multiple submitters, no conflicts (2 of 4 stars). 2 submissions from 2 submitters: Likely benign (2). Last evaluated 2025-02-01.

Conditions:
Fanconi anemia (FA). Also called: Fanconi's anemia. Identifiers: Orphanet 84, MedGen C0015625, MeSH D005199, MONDO:0019391.

Allele frequency attached by ClinVar (database versions not stated): gnomAD 0.00001.
gnomAD v4.1: 2 of 1,613,814 alleles (0.00012%); highest among the groups gnomAD compares: Non-Finnish European, 0.00017%; no homozygotes.

Submissions (2):

CeGaT Center for Human Genetics Tuebingen
Classification: Likely benign. Last evaluated: 2025-02-01. Review status: criteria provided, single submitter. Criteria: CeGaT Center For Human Genetics Tuebingen Variant Classification Criteria Version 2. Collection method: clinical testing. Allele origin: germline. Affected: yes. Observed: 1 variant allele.
Comment: FANCD2: BP4, BP7

Labcorp Genetics (formerly Invitae), Labcorp
Classification: Likely benign for Fanconi anemia. Last evaluated: 2023-12-26. Review status: criteria provided, single submitter. Criteria: Invitae Variant Classification Sherloc (09022015). Collection method: clinical testing. Allele origin: germline.

NM_001018115.3(FANCD2):c.695+10C>T

Genes: FANCD2 (FA complementation group D2; plus strand), LOC107303338 (3p25 FANCD2 Alu-mediated recombination region; plus strand). Cytogenetic location: 3p25.3.
Variant type: single nucleotide variant.
Coding change: c.695+10C>T on transcript NM_001018115.3 (MANE Select); 10 bases into the intron after coding-DNA position 695, C replaced by T.
Molecular consequence: intron variant.
Genome position (GRCh38, 1-based): chr3:10,039,855, C>T. VCF-style: chr3-10039855-C-T. GRCh37 (hg19) VCF-style: chr3-10081539-C-T.
Other names: c.695+10C>T (NM_001319984.2, NM_001374253.1, NM_033084.6 and 2 more transcripts).
Identifiers: ClinVar variation 1528846 (VCV001528846.21), dbSNP rs757359450, ClinGen allele CA1044976697.
Genomic context (GRCh38, chr3:10,039,855, plus strand): 5'-ACCTGAGATCCTAGGGGATTCCCAGCACGCTGATGTGGGGAAAGAACTCAGGTGGATAAA[C>T]CCTCTGTCATCATCTAAGTGAGGCTCAGCTATGGGGGTTCTATCACTGCAGTATGCAAAG-3'